The following is an entry in ClinVar:

ClinVar aggregate classification (germline): Likely pathogenic (1 of 4 stars; one submission).

Conditions:
Familial multiple nevi flammei. Also called: PORT-WINE STAIN; CAPILLARY MALFORMATIONS, CONGENITAL, 1, SOMATIC, MOSAIC. Identifiers: Orphanet 624, MedGen C2931029, MONDO:0008094, OMIM 163000.

Submission:

Clinical Genomics Laboratory, Washington University in St. Louis
Classification: Likely pathogenic for Familial multiple nevi flammei. Last evaluated: 2025-05-22. Review status: criteria provided, single submitter. Criteria: Leon-Quintero et al. (Clin Genet. 2025). Collection method: clinical testing. Allele origin: somatic. Affected: yes.
Comment: A GNA11 c.548G>A (p.Arg183His) variant was identified at an allelic fraction consistent with somatic origin. This variant has been reported in at least three individuals with vascular malformations (Beteta-Gorriti V et al., PMID: 34260077; Jordan M et al., PMID: 31726051; Neves M and Dias P. PMCID: PMC11771725). This variant has been reported in one case of uveal melanoma in the cancer database COSMIC (Genomic Mutation ID: COSV50030932). This variant is absent from the general population (gnomAD v4.1.0), indicating it is not a common variant. This variant resides within the GTP-binding site of GNA11, which is critical for its function and constitutes a mutational hotspot (Conklin BR et al., PMID: 1309740; O'Hayre M et al., PMID: 23640210; Van Raamsdonk CD et al., PMID: 21083380). Computational predictors indicate that the variant is damaging, evidence that correlates with impact to GNA11 function. Other variants in the same codon, p.Arg183Cys and p.Arg183Ser, have been reported in affected individuals and are considered pathogenic/likely pathogenic (Thomas AC et al., PMID: 26778290; Zhang D et al., PMID: 39654261; ClinVar Variation ID: 548668). Based on available information and an internally developed protocol informed by the ACMG/AMP guidelines for variant interpretation and gene-specific practices from the ClinGen Criteria Specification Registry (Leon-Quintero FZ et al., PMID: 39434542), the GNA11 c.548G>A (p.Arg183His) variant is classified as likely pathogenic.

NM_002067.5(GNA11):c.548G>A (p.Arg183His)

Gene: GNA11 (G protein subunit alpha 11; plus strand). Cytogenetic location: 19p13.3.
Variant type: single nucleotide variant.
Coding change: c.548G>A on transcript NM_002067.5 (MANE Select); coding-DNA position 548, G replaced by A.
Protein change: p.Arg183His; replaces arginine 183 with histidine.
Molecular consequence: missense variant.
Genome position (GRCh38, 1-based): chr19:3,115,015, G>A. VCF-style: chr19-3115015-G-A. GRCh37 (hg19) VCF-style: chr19-3115013-G-A.
Other names: short protein forms R183H.
Identifiers: ClinVar variation 4279982 (VCV004279982.1).